The following is an entry in ClinVar:

ClinVar aggregate classification (germline): Uncertain significance (1 of 4 stars; one submission).

gnomAD v4.1: 13 of 1,613,504 alleles (0.00081%); highest among the groups gnomAD compares: Admixed American, 0.018%; no homozygotes.

Submission:

Labcorp Genetics (formerly Invitae), Labcorp
Classification: Uncertain significance. Last evaluated: 2024-03-16. Review status: criteria provided, single submitter. Criteria: Invitae Variant Classification Sherloc (09022015). Collection method: clinical testing. Allele origin: germline.
Comment: This sequence change replaces isoleucine, which is neutral and non-polar, with valine, which is neutral and non-polar, at codon 49 of the ERMARD protein (p.Ile49Val). This variant is present in population databases (no rsID available, gnomAD 0.009%). This variant has not been reported in the literature in individuals affected with ERMARD-related conditions. Algorithms developed to predict the effect of missense changes on protein structure and function output the following: SIFT: "Not Available"; PolyPhen-2: "Benign"; Align-GVGD: "Not Available". The valine amino acid residue is found in multiple mammalian species, which suggests that this missense change does not adversely affect protein function. In summary, the available evidence is currently insufficient to determine the role of this variant in disease. Therefore, it has been classified as a Variant of Uncertain Significance.

NM_018341.3(ERMARD):c.145A>G (p.Ile49Val)

Gene: ERMARD (ER membrane associated RNA degradation; plus strand). Cytogenetic location: 6q27.
Variant type: single nucleotide variant.
Coding change: c.145A>G on transcript NM_018341.3 (MANE Select); coding-DNA position 145, A replaced by G.
Protein change: p.Ile49Val; replaces isoleucine 49 with valine.
Molecular consequence: missense variant. On other transcripts: intron variant (2).
Genome position (GRCh38, 1-based): chr6:169,754,002, A>G. VCF-style: chr6-169754002-A-G. GRCh37 (hg19) VCF-style: chr6-170154098-A-G.
Other names: c.145A>G, p.Ile49Val (NM_001278531.2, NM_001278533.2); c.-203-1281A>G (NM_001278532.2, NM_001410957.1); short protein forms I49V.
Identifiers: ClinVar variation 3610346 (VCV003610346.2).
Genomic context (GRCh38, chr6:169,754,002, plus strand): 5'-AGAGAAAATTGTGATATCAATAGCATTGTAACTCAGAATGGTGAAGTATGCTGGAAAACA[A>G]TCACAGACTGTGTGAGCTACACAGAGTCAGGTTTGTGCTGTCTTTGTACTCCAAACTTTC-3'
Protein context (NP_060811.1, residues 39-59): TQNGEVCWKT[Ile49Val]TDCVSYTESE